The following is an entry in ClinVar:

ClinVar aggregate classification (germline): Uncertain significance (1 of 4 stars; one submission).

Allele frequency attached by ClinVar (database versions not stated): gnomAD exomes below 0.00001; TOPMed below 0.00001.
gnomAD v4.1: 1 of 1,614,082 alleles (0.000062%); highest among the groups gnomAD compares: Admixed American, 0.0017%; no homozygotes.

Submission:

Labcorp Genetics (formerly Invitae), Labcorp
Classification: Uncertain significance. Last evaluated: 2022-10-24. Review status: criteria provided, single submitter. Criteria: Invitae Variant Classification Sherloc (09022015). Collection method: clinical testing. Allele origin: germline.
Comment: This sequence change replaces proline, which is neutral and non-polar, with serine, which is neutral and polar, at codon 27 of the PDE6G protein (p.Pro27Ser). This variant is present in population databases (no rsID available, gnomAD 0.003%). This variant has not been reported in the literature in individuals affected with PDE6G-related conditions. Algorithms developed to predict the effect of missense changes on protein structure and function (SIFT, PolyPhen-2, Align-GVGD) all suggest that this variant is likely to be disruptive. In summary, the available evidence is currently insufficient to determine the role of this variant in disease. Therefore, it has been classified as a Variant of Uncertain Significance.

NM_002602.4(PDE6G):c.79C>T (p.Pro27Ser)

Gene: PDE6G (phosphodiesterase 6G; minus strand). Cytogenetic location: 17q25.3.
Variant type: single nucleotide variant.
Coding change: c.79C>T on transcript NM_002602.4 (MANE Select); coding-DNA position 79, C replaced by T.
Protein change: p.Pro27Ser; replaces proline 27 with serine.
Molecular consequence: missense variant.
Genome position (GRCh38, 1-based): chr17:81,653,227, G>A on the plus strand (C>T on the coding strand, the complement: PDE6G is on the minus strand). VCF-style: chr17-81653227-G-A. GRCh37 (hg19) VCF-style: chr17-79620257-G-A.
Other names: c.79C>T, p.Pro27Ser (NM_001365724.1, NM_001365725.1); short protein forms P27S.
Identifiers: ClinVar variation 2106292 (VCV002106292.1), dbSNP rs1424263794, ClinGen allele CA401474489.
Genomic context (GRCh38, chr17:81,653,227, plus strand): 5'-CGCCTTTCTTTGGGGGCTTGCTCTTGAACTGCCTGGTCTGTCGCTGCTTAAATTTAGGGG[G>A]CCCTTTCCTGGGGGTGACAGGTCCCCCGGCCACCCTGGTGGCTGACCGGAACTCAGCCTT-3'
Protein context (NP_002593.1, residues 17-37): AGGPVTPRKG[Pro27Ser]PKFKQRQTRQ